The following is an entry in ClinVar:

NM_173560.4(RFX6):c.809C>G (p.Thr270Ser)

Gene: RFX6 (regulatory factor X6; plus strand). Cytogenetic location: 6q22.1.
Variant type: single nucleotide variant.
Coding change: c.809C>G on transcript NM_173560.4 (MANE Select); coding-DNA position 809, C replaced by G.
Protein change: p.Thr270Ser; replaces threonine 270 with serine.
Molecular consequence: missense variant.
Genome position (GRCh38, 1-based): chr6:116,916,036, C>G. VCF-style: chr6-116916036-C-G. GRCh37 (hg19) VCF-style: chr6-117237199-C-G.
Other names: short protein forms T270S.
Identifiers: ClinVar variation 2074904 (VCV002074904.4), dbSNP rs764389682, ClinGen allele CA3973145.

ClinVar aggregate classification (germline): Uncertain significance (1 of 4 stars; one submission).

Allele frequency attached by ClinVar (database versions not stated): gnomAD 0.00001; TOPMed 0.00004; ExAC 0.00003.
gnomAD v4.1: 10 of 1,611,816 alleles (0.00062%); highest among the groups gnomAD compares: Admixed American, 0.013%; no homozygotes.

Submission:

Labcorp Genetics (formerly Invitae), Labcorp
Classification: Uncertain significance. Last evaluated: 2022-06-10. Review status: criteria provided, single submitter. Criteria: Invitae Variant Classification Sherloc (09022015). Collection method: clinical testing. Allele origin: germline.
Comment: In summary, the available evidence is currently insufficient to determine the role of this variant in disease. Therefore, it has been classified as a Variant of Uncertain Significance. This sequence change replaces threonine, which is neutral and polar, with serine, which is neutral and polar, at codon 270 of the RFX6 protein (p.Thr270Ser). This variant is present in population databases (rs764389682, gnomAD 0.02%). This variant has not been reported in the literature in individuals affected with RFX6-related conditions. Algorithms developed to predict the effect of missense changes on protein structure and function are either unavailable or do not agree on the potential impact of this missense change (SIFT: "Deleterious"; PolyPhen-2: "Probably Damaging"; Align-GVGD: "Class C0").